The following is an entry in ClinVar:

ClinVar aggregate classification (germline): Likely benign (1 of 4 stars; one submission).

Allele frequency attached by ClinVar (database versions not stated): TOPMed 0.00003; gnomAD 0.00007; gnomAD exomes 0.00008; ExAC 0.00021; 1000 Genomes Project 0.00100; 1000 Genomes Project 30x 0.00109.
gnomAD v4.1: 136 of 1,614,144 alleles (0.0084%); highest among the groups gnomAD compares: South Asian, 0.14%; no homozygotes.

Submission:

CeGaT Center for Human Genetics Tuebingen
Classification: Likely benign. Last evaluated: 2023-06-01. Review status: criteria provided, single submitter. Criteria: CeGaT Center For Human Genetics Tuebingen Variant Classification Criteria Version 2. Collection method: clinical testing. Allele origin: germline. Affected: yes. Observed: 1 variant allele.
Comment: KDM2B: BP4

NM_032590.5(KDM2B):c.1501G>C (p.Glu501Gln)

Gene: KDM2B (lysine demethylase 2B; minus strand). Cytogenetic location: 12q24.31.
Variant type: single nucleotide variant.
Coding change: c.1501G>C on transcript NM_032590.5 (MANE Select); coding-DNA position 1501, G replaced by C.
Protein change: p.Glu501Gln; replaces glutamic acid 501 with glutamine.
Molecular consequence: missense variant.
Genome position (GRCh38, 1-based): chr12:121,509,713, C>G on the plus strand (G>C on the coding strand, the complement: KDM2B is on the minus strand). VCF-style: chr12-121509713-C-G. GRCh37 (hg19) VCF-style: chr12-121947516-C-G.
Other names: c.1408G>C, p.Glu470Gln (NM_001005366.2); short protein forms E470Q, E501Q.
Identifiers: ClinVar variation 2643408 (VCV002643408.24), dbSNP rs570611982, ClinGen allele CA6836896.
Genomic context (GRCh38, chr12:121,509,713, plus strand): 5'-CCAGAGCTTTCAGGCCCTTCAGTTCAAACTCAGTGAGATGGGTCCATTTGGCAGAGACCT[C>G]CGTGGCGGGAGAGCCGGTGGGGGTCTTGGGGTAGTCTACGGCCAATGTGGTGGACTTCAC-3'
Protein context (NP_115979.3, residues 491-511): PKTPTGSPAT[Glu501Gln]VSAKWTHLTE